The following is an entry in ClinVar:

NM_001041.4(SI):c.3918G>C (p.Lys1306Asn)

Gene: SI (sucrase-isomaltase; minus strand). Cytogenetic location: 3q26.1.
Variant type: single nucleotide variant.
Coding change: c.3918G>C on transcript NM_001041.4 (MANE Select); coding-DNA position 3918, G replaced by C.
Protein change: p.Lys1306Asn; replaces lysine 1306 with asparagine.
Molecular consequence: missense variant.
Genome position (GRCh38, 1-based): chr3:165,015,204, C>G on the plus strand (G>C on the coding strand, the complement: SI is on the minus strand). VCF-style: chr3-165015204-C-G. GRCh37 (hg19) VCF-style: chr3-164732992-C-G.
Other names: short protein forms K1306N.
Identifiers: ClinVar variation 1423844 (VCV001423844.8), dbSNP rs1718967975, ClinGen allele CA355036024.

ClinVar aggregate classification (germline): Uncertain significance (1 of 4 stars; one submission).

Allele frequency attached by ClinVar (database versions not stated): TOPMed below 0.00001.

Submission:

Labcorp Genetics (formerly Invitae), Labcorp
Classification: Uncertain significance. Last evaluated: 2022-01-06. Review status: criteria provided, single submitter. Criteria: Invitae Variant Classification Sherloc (09022015). Collection method: clinical testing. Allele origin: germline.
Comment: Advanced modeling of protein sequence and biophysical properties (such as structural, functional, and spatial information, amino acid conservation, physicochemical variation, residue mobility, and thermodynamic stability) performed at Invitae indicates that this missense variant is not expected to disrupt SI protein function. In summary, the available evidence is currently insufficient to determine the role of this variant in disease. Therefore, it has been classified as a Variant of Uncertain Significance. This variant is not present in population databases (gnomAD no frequency). This variant has not been reported in the literature in individuals affected with SI-related conditions. This sequence change replaces lysine, which is basic and polar, with asparagine, which is neutral and polar, at codon 1306 of the SI protein (p.Lys1306Asn).